The following is an entry in ClinVar:

NM_005477.3(HCN4):c.829C>G (p.Leu277Val)

Genes: HCN4 (hyperpolarization activated cyclic nucleotide gated potassium channel 4; minus strand), LOC105370890 (uncharacterized LOC105370890; plus strand), LOC126862173 (CDK7 strongly-dependent group 2 enhancer GRCh37_chr15:73635762-73636961; plus strand). Cytogenetic location: 15q24.1.
Variant type: single nucleotide variant.
Coding change: c.829C>G on transcript NM_005477.3 (MANE Select); coding-DNA position 829, C replaced by G.
Protein change: p.Leu277Val; replaces leucine 277 with valine.
Molecular consequence: missense variant.
Genome position (GRCh38, 1-based): chr15:73,343,765, G>C on the plus strand (C>G on the coding strand, the complement: HCN4 is on the minus strand). VCF-style: chr15-73343765-G-C. GRCh37 (hg19) VCF-style: chr15-73636106-G-C.
Other names: short protein forms L277V.
Identifiers: ClinVar variation 1925596 (VCV001925596.5), dbSNP rs1334334457, ClinGen allele CA393095458.

ClinVar aggregate classification (germline): Uncertain significance (1 of 4 stars; one submission).

Conditions:
Brugada syndrome 8 (BRGDA8). Identifiers: Orphanet 130, MedGen C2751083, MONDO:0013148, OMIM 613123.

Submission:

Labcorp Genetics (formerly Invitae), Labcorp
Classification: Uncertain significance for Brugada syndrome 8. Last evaluated: 2022-09-15. Review status: criteria provided, single submitter. Criteria: Invitae Variant Classification Sherloc (09022015). Collection method: clinical testing. Allele origin: germline.
Comment: This sequence change replaces leucine, which is neutral and non-polar, with valine, which is neutral and non-polar, at codon 277 of the HCN4 protein (p.Leu277Val). This variant is not present in population databases (gnomAD no frequency). This variant has not been reported in the literature in individuals affected with HCN4-related conditions. Advanced modeling of protein sequence and biophysical properties (such as structural, functional, and spatial information, amino acid conservation, physicochemical variation, residue mobility, and thermodynamic stability) performed at Invitae indicates that this missense variant is not expected to disrupt HCN4 protein function. In summary, the available evidence is currently insufficient to determine the role of this variant in disease. Therefore, it has been classified as a Variant of Uncertain Significance.